The following is an entry in ClinVar:

ClinVar aggregate classification (germline): Uncertain significance (1 of 4 stars; one submission).

gnomAD v4.1: 946 of 1,577,884 alleles (0.06%); highest among the groups gnomAD compares: Admixed American, 0.15%; no homozygotes.

Submission:

Women's Health and Genetics/Laboratory Corporation of America, LabCorp
Classification: Uncertain significance. Last evaluated: 2026-05-04. Review status: criteria provided, single submitter. Criteria: LabCorp Variant Classification Summary - May 2015. Collection method: clinical testing. Allele origin: germline.
Comment: Variant summary: PLA2G7 c.1242G>T (p.Glu414Asp) results in a conservative amino acid change in the encoded protein sequence. Algorithms developed to predict the effect of missense changes on protein structure and function all suggest that this variant is likely to be tolerated. The variant allele was found at a frequency of 0.00053 in 250988 control chromosomes. This frequency is not significantly higher than estimated for disease-causing variants in PLA2G7, allowing no conclusion about variant significance. To our knowledge, no occurrence of c.1242G>T in individuals affected with PLA2G7-related conditions and no experimental evidence demonstrating its impact on protein function have been reported. ClinVar contains an entry for this variant (Variation ID: 3896565). Based on the evidence outlined above, the variant was classified as uncertain significance.

NM_005084.4(PLA2G7):c.1242G>T (p.Glu414Asp)

Gene: PLA2G7 (phospholipase A2 group VII; minus strand). Cytogenetic location: 6p12.3.
Variant type: single nucleotide variant.
Coding change: c.1242G>T on transcript NM_005084.4 (MANE Select); coding-DNA position 1242, G replaced by T.
Protein change: p.Glu414Asp; replaces glutamic acid 414 with aspartic acid.
Molecular consequence: missense variant.
Genome position (GRCh38, 1-based): chr6:46,704,644, C>A on the plus strand (G>T on the coding strand, the complement: PLA2G7 is on the minus strand). VCF-style: chr6-46704644-C-A. GRCh37 (hg19) VCF-style: chr6-46672381-C-A.
Other names: c.1242G>T, p.Glu414Asp (NM_001168357.2); short protein forms E414D.
Identifiers: ClinVar variation 3896565 (VCV003896565.3).
Genomic context (GRCh38, chr6:46,704,644, plus strand): 5'-AGAGTTCTGTAACATGATGTGTTGATTGGTTGTGTTAATGTTGGTCCCTGGAATAAGATT[C>A]TCATCATCTCCTTCAATCAAGCAGTCCCACTGATCAAAATCTTTATGAAGTCCTATAAAA-3'
Protein context (NP_005075.3, residues 404-424): QWDCLIEGDD[Glu414Asp]NLIPGTNINT